The following is an entry in ClinVar:

ClinVar aggregate classification (germline): Uncertain significance (1 of 4 stars; one submission).

Conditions:
Periodontitis, aggressive. Identifiers: MedGen C0031106, MONDO:0980757.
Papillon-Lefèvre syndrome (PALS). Also called: KERATOSIS PALMOPLANTARIS WITH PERIODONTOPATHIA; Papillon-Lefevre Disease. Identifiers: Orphanet 678, MedGen C0030360, MONDO:0009490, OMIM 245000.
Haim-Munk syndrome (HMS). Also called: COCHIN JEWISH DISORDER; KERATOSIS PALMOPLANTARIS WITH PERIODONTOPATHIA AND ONYCHOGRYPOSIS. Identifiers: Orphanet 2342, MedGen C1855627, MONDO:0009491, OMIM 245010.

Allele frequency attached by ClinVar (database versions not stated): gnomAD 0.00001; TOPMed 0.00001; ExAC 0.00004; ESP Exome Variant Server 0.00008.
gnomAD v4.1: 8 of 1,574,054 alleles (0.00051%); highest among the groups gnomAD compares: East Asian, 0.0023%; no homozygotes.

Submission:

Labcorp Genetics (formerly Invitae), Labcorp
Classification: Uncertain significance for Haim-Munk syndrome; Periodontitis, aggressive; Papillon-Lefèvre syndrome. Last evaluated: 2020-12-04. Review status: criteria provided, single submitter. Criteria: Invitae Variant Classification Sherloc (09022015). Collection method: clinical testing. Allele origin: germline.
Comment: In summary, the available evidence is currently insufficient to determine the role of this variant in disease. Therefore, it has been classified as a Variant of Uncertain Significance. Algorithms developed to predict the effect of missense changes on protein structure and function are either unavailable or do not agree on the potential impact of this missense change (SIFT: "Not Available"; PolyPhen-2: "Probably Damaging"; Align-GVGD: "Not Available"). This variant has not been reported in the literature in individuals with CTSC-related conditions. This variant is present in population databases (rs368771602, ExAC 0.009%). This sequence change replaces glycine with arginine at codon 2 of the CTSC protein (p.Gly2Arg). The glycine residue is moderately conserved and there is a moderate physicochemical difference between glycine and arginine.

NM_001814.6(CTSC):c.4G>C (p.Gly2Arg)

Genes: CTSC (cathepsin C; minus strand), LOC130006572 (ATAC-STARR-seq lymphoblastoid active region 5382; plus strand). Cytogenetic location: 11q14.2.
Variant type: single nucleotide variant.
Coding change: c.4G>C on transcript NM_001814.6 (MANE Select); coding-DNA position 4, G replaced by C.
Protein change: p.Gly2Arg; replaces glycine 2 with arginine.
Molecular consequence: missense variant.
Genome position (GRCh38, 1-based): chr11:88,337,669, C>G on the plus strand (G>C on the coding strand, the complement: CTSC is on the minus strand). VCF-style: chr11-88337669-C-G. GRCh37 (hg19) VCF-style: chr11-88070837-C-G.
Other names: c.4G>C, p.Gly2Arg (NM_001114173.3, NM_148170.5); short protein forms G2R.
Identifiers: ClinVar variation 1500336 (VCV001500336.4), dbSNP rs368771602, ClinGen allele CA6220165.